The following is an entry in ClinVar:

NM_020911.2(PLXNA4):c.4739G>A (p.Arg1580Gln)

Gene: PLXNA4 (plexin A4; minus strand). Cytogenetic location: 7q32.3.
Variant type: single nucleotide variant.
Coding change: c.4739G>A on transcript NM_020911.2 (MANE Select); coding-DNA position 4739, G replaced by A.
Protein change: p.Arg1580Gln; replaces arginine 1580 with glutamine.
Molecular consequence: missense variant.
Genome position (GRCh38, 1-based): chr7:132,148,568, C>T on the plus strand (G>A on the coding strand, the complement: PLXNA4 is on the minus strand). VCF-style: chr7-132148568-C-T. GRCh37 (hg19) VCF-style: chr7-131833327-C-T.
Other names: c.4739G>A, p.Arg1580Gln (NM_001393897.1); short protein forms R1580Q.
Identifiers: ClinVar variation 2636670 (VCV002636670.2), dbSNP rs375808893, ClinGen allele CA166944695.

ClinVar aggregate classification (germline): Uncertain significance (0 of 4 stars; one submission).

Conditions:
PLXNA4-related disorder. Also called: PLXNA4-related condition.

Allele frequency attached by ClinVar (database versions not stated): gnomAD exomes below 0.00001; gnomAD 0.00001; ESP Exome Variant Server 0.00008.
gnomAD v4.1: 5 of 1,614,026 alleles (0.00031%); highest among the groups gnomAD compares: African/African-American, 0.0013%; no homozygotes.

Submission:

PreventionGenetics, part of Exact Sciences
Classification: Uncertain significance for PLXNA4-related condition. Last evaluated: 2024-03-28. Review status: no assertion criteria provided. Collection method: clinical testing. Allele origin: germline.
Comment: The PLXNA4 c.4739G>A variant is predicted to result in the amino acid substitution p.Arg1580Gln. To our knowledge, this variant has not been reported in the literature. This variant is reported in 0.0033% of alleles in individuals of South Asian descent in gnomAD. At this time, the clinical significance of this variant is uncertain due to the absence of conclusive functional and genetic evidence.